The following is an entry in ClinVar:

NC_000005.9:g.(?_140896418)_(140998481_?)dup

Gene: DIAPH1 (diaphanous related formin 1; minus strand). Cytogenetic location: 5q31.3.
Variant type: Duplication.
Identifiers: ClinVar variation 3246412 (VCV003246412.1).

ClinVar aggregate classification (germline): Uncertain significance (1 of 4 stars; one submission).

Conditions:
Autosomal dominant nonsyndromic hearing loss 1. Also called: DEAFNESS, AUTOSOMAL DOMINANT 1, WITH OR WITHOUT THROMBOCYTOPENIA; KONIGSMARK SYNDROME. Identifiers: Orphanet 90635, MedGen C1852282, MONDO:0007424, OMIM 124900.
Progressive microcephaly-seizures-cortical blindness-developmental delay syndrome. Also called: Seizures, cortical blindness, and microcephaly syndrome. Identifiers: Orphanet 477814, MedGen C5567650, MONDO:0014714, OMIM 616632.

Submission:

Labcorp Genetics (formerly Invitae), Labcorp
Classification: Uncertain significance for Progressive microcephaly-seizures-cortical blindness-developmental delay syndrome; Autosomal dominant nonsyndromic hearing loss 1. Last evaluated: 2023-09-12. Review status: criteria provided, single submitter. Criteria: Invitae Variant Classification Sherloc (09022015). Collection method: clinical testing. Allele origin: unknown.
Comment: A copy number gain of the genomic region encompassing the full coding sequence of the DIAPH1 gene has been identified. The boundaries of this event are unknown as they extend beyond the assayed region for this gene and therefore may encompass additional genes. As the precise location of this event is unknown, it may be in tandem or it may be located elsewhere in the genome. This variant has not been reported in the literature in individuals affected with DIAPH1-related conditions. In summary, the available evidence is currently insufficient to determine the role of this variant in disease. Therefore, it has been classified as a Variant of Uncertain Significance.